The following is an entry in ClinVar:

ClinVar aggregate classification (germline): Uncertain significance (1 of 4 stars; one submission).

Conditions:
Dystonia 16 (DYT16). Also called: DYT-PRKRA. Identifiers: Orphanet 210571, MedGen C2677567, MONDO:0012789, OMIM 612067.

Submission:

Labcorp Genetics (formerly Invitae), Labcorp
Classification: Uncertain significance for Dystonia 16. Last evaluated: 2021-07-21. Review status: criteria provided, single submitter. Criteria: Invitae Variant Classification Sherloc (09022015). Collection method: clinical testing. Allele origin: germline.
Comment: This variant is not present in population databases (ExAC no frequency). This sequence change replaces alanine with valine at codon 103 of the PRKRA protein (p.Ala103Val). The alanine residue is highly conserved and there is a small physicochemical difference between alanine and valine. This variant has not been reported in the literature in individuals affected with PRKRA-related conditions. Algorithms developed to predict the effect of missense changes on protein structure and function (SIFT, PolyPhen-2, Align-GVGD) all suggest that this variant is likely to be tolerated. Algorithms developed to predict the effect of sequence changes on RNA splicing suggest that this variant may create or strengthen a splice site. In summary, the available evidence is currently insufficient to determine the role of this variant in disease. Therefore, it has been classified as a Variant of Uncertain Significance.

NM_003690.5(PRKRA):c.308C>T (p.Ala103Val)

Gene: PRKRA (protein activator of interferon induced protein kinase EIF2AK2; minus strand). Cytogenetic location: 2q31.2.
Variant type: single nucleotide variant.
Coding change: c.308C>T on transcript NM_003690.5 (MANE Select); coding-DNA position 308, C replaced by T.
Protein change: p.Ala103Val; replaces alanine 103 with valine.
Molecular consequence: missense variant. On other transcripts: 5 prime UTR variant (1).
Genome position (GRCh38, 1-based): chr2:178,447,514, G>A on the plus strand (C>T on the coding strand, the complement: PRKRA is on the minus strand). VCF-style: chr2-178447514-G-A. GRCh37 (hg19) VCF-style: chr2-179312241-G-A.
Other names: c.275C>T, p.Ala92Val (NM_001139517.2); c.233C>T, p.Ala78Val (NM_001139518.2); c.-142C>T (NM_001316362.2); short protein forms A103V, A78V, A92V.
Identifiers: ClinVar variation 1492133 (VCV001492133.8), dbSNP rs2154125404, ClinGen allele CA349405344.